The following is an entry in ClinVar:

NM_006567.5(FARS2):c.613-2A>G

Gene: FARS2 (phenylalanyl-tRNA synthetase 2, mitochondrial; plus strand). Cytogenetic location: 6p25.1.
Variant type: single nucleotide variant.
Coding change: c.613-2A>G on transcript NM_006567.5 (MANE Select); the canonical splice acceptor site of the intron before coding-DNA position 613, A replaced by G.
Molecular consequence: splice acceptor variant.
Genome position (GRCh38, 1-based): chr6:5,404,540, A>G. VCF-style: chr6-5404540-A-G. GRCh37 (hg19) VCF-style: chr6-5404773-A-G.
Other names: c.613-2A>G (NM_001374878.1, NM_001318872.2, NM_001374877.1 and 5 more transcripts); c.-84-2A>G (NM_001375260.1, NM_001375259.1).
Identifiers: ClinVar variation 2079397 (VCV002079397.1), dbSNP rs1761439785, ClinGen allele CA362735669.

ClinVar aggregate classification (germline): Likely pathogenic (1 of 4 stars; one submission).

Conditions:
Combined oxidative phosphorylation defect type 14. Also called: Combined oxidative phosphorylation deficiency 14. Identifiers: Orphanet 319519, MedGen C4755312, MONDO:0013986, OMIM 614946.

Allele frequency attached by ClinVar (database versions not stated): gnomAD exomes below 0.00001; TOPMed below 0.00001; gnomAD 0.00001.
gnomAD v4.1: 2 of 1,577,894 alleles (0.00013%); highest among the groups gnomAD compares: Non-Finnish European, 0.00017%; no homozygotes.

Submission:

Labcorp Genetics (formerly Invitae), Labcorp
Classification: Likely pathogenic for Combined oxidative phosphorylation defect type 14. Last evaluated: 2022-06-28. Review status: criteria provided, single submitter. Criteria: Invitae Variant Classification Sherloc (09022015). Collection method: clinical testing. Allele origin: germline.
Comment: This sequence change affects an acceptor splice site in intron 2 of the FARS2 gene. It is expected to disrupt RNA splicing. Variants that disrupt the donor or acceptor splice site typically lead to a loss of protein function (PMID: 16199547), and loss-of-function variants in FARS2 are known to be pathogenic (PMID: 22833457). This variant is not present in population databases (gnomAD no frequency). This variant has not been reported in the literature in individuals affected with FARS2-related conditions. Algorithms developed to predict the effect of sequence changes on RNA splicing suggest that this variant may disrupt the consensus splice site. In summary, the currently available evidence indicates that the variant is pathogenic, but additional data are needed to prove that conclusively. Therefore, this variant has been classified as Likely Pathogenic.

Literature cited by the submitters: PubMed 16199547; PubMed 22833457.